The following is an entry in ClinVar:

NM_005428.4(VAV1):c.1642C>T (p.Arg548Trp)

Gene: VAV1 (vav guanine nucleotide exchange factor 1; plus strand). Cytogenetic location: 19p13.3.
Variant type: single nucleotide variant.
Coding change: c.1642C>T on transcript NM_005428.4 (MANE Select); coding-DNA position 1642, C replaced by T.
Protein change: p.Arg548Trp; replaces arginine 548 with tryptophan.
Molecular consequence: missense variant.
Genome position (GRCh38, 1-based): chr19:6,833,559, C>T. VCF-style: chr19-6833559-C-T. GRCh37 (hg19) VCF-style: chr19-6833570-C-T.
Other names: c.1642C>T, p.Arg548Trp (NM_001258206.2); c.1546C>T, p.Arg516Trp (NM_001258207.2); c.1642C>T (NM_005428.3); short protein forms R516W, R548W.
Identifiers: ClinVar variation 2172533 (VCV002172533.5), dbSNP rs527259397, ClinGen allele CA9132666.

ClinVar aggregate classification (germline): Uncertain significance. Review status: criteria provided, multiple submitters, no conflicts (2 of 4 stars). 2 submissions from 2 submitters: Uncertain significance (2). Last evaluated 2026-05-28.

Conditions:
VAV1-related disorder. Also called: VAV1-related condition.

Allele frequency attached by ClinVar (database versions not stated): ExAC 0.00004.
gnomAD v4.1: 52 of 1,611,230 alleles (0.0032%); highest among the groups gnomAD compares: Non-Finnish European, 0.0043%; no homozygotes.

Submissions (2):

PreventionGenetics, part of Exact Sciences
Classification: Uncertain significance for VAV1-related condition. Last evaluated: 2026-05-28. Review status: criteria provided, single submitter. Criteria: ACMG Guidelines, 2015. Collection method: clinical testing. Allele origin: germline.
Comment: The VAV1 c.1642C>T variant is predicted to result in the amino acid substitution p.Arg548Trp. To our knowledge, this variant has not been reported in the literature. This variant is reported in 0.0062% of alleles in individuals of European (Non-Finnish) descent in gnomAD. At this time, the clinical significance of this variant is uncertain due to the absence of conclusive functional and genetic evidence.

Labcorp Genetics (formerly Invitae), Labcorp
Classification: Uncertain significance. Last evaluated: 2024-12-03. Review status: criteria provided, single submitter. Criteria: Invitae Variant Classification Sherloc (09022015). Collection method: clinical testing. Allele origin: germline.
Comment: This sequence change replaces arginine, which is basic and polar, with tryptophan, which is neutral and slightly polar, at codon 548 of the VAV1 protein (p.Arg548Trp). This variant is present in population databases (rs527259397, gnomAD 0.005%). This variant has not been reported in the literature in individuals affected with VAV1-related conditions. ClinVar contains an entry for this variant (Variation ID: 2172533). An algorithm developed to predict the effect of missense changes on protein structure and function (PolyPhen-2) suggests that this variant is likely to be disruptive. Algorithms developed to predict the effect of sequence changes on RNA splicing suggest that this variant may disrupt the consensus splice site. In summary, the available evidence is currently insufficient to determine the role of this variant in disease. Therefore, it has been classified as a Variant of Uncertain Significance.